The following is an entry in ClinVar:

ClinVar aggregate classification (germline): Conflicting classifications of pathogenicity. Review status: criteria provided, conflicting classifications (1 of 4 stars). 8 submissions from 8 submitters: Uncertain significance (7); Benign (1). Last evaluated 2026-03-30.

Conditions:
COL11A2-related disorder. Also called: COL11A2-related disorders; COL11A2-related condition.

Allele frequency attached by ClinVar (database versions not stated): gnomAD exomes 0.00001 and 0.00004; gnomAD 0.00003; TOPMed 0.00003; ExAC 0.00006; 1000 Genomes Project 30x 0.00016; 1000 Genomes Project 0.00020.
gnomAD v4.1: 35 of 1,613,876 alleles (0.0022%); highest among the groups gnomAD compares: East Asian, 0.018%; no homozygotes.

Submissions (8):

PreventionGenetics, part of Exact Sciences
Classification: Uncertain significance for COL11A2-related condition. Last evaluated: 2026-03-30. Review status: criteria provided, single submitter. Criteria: ACMG Guidelines, 2015. Collection method: clinical testing. Allele origin: germline.
Comment: The COL11A2 c.3173C>T variant is predicted to result in the amino acid substitution p.Pro1058Leu. This variant has been reported in an individual with orofacial clefting (Diaz Perez et al. 2023. PubMed ID: 37350193). This variant is present in 0.025% of alleles in individuals of East Asian descent in gnomAD. At this time, the clinical significance of this variant is uncertain due to the absence of conclusive functional and genetic evidence.

Women's Health and Genetics/Laboratory Corporation of America, LabCorp
Classification: Uncertain significance. Last evaluated: 2026-02-16. Review status: criteria provided, single submitter. Criteria: LabCorp Variant Classification Summary - May 2015. Collection method: clinical testing. Allele origin: germline.
Comment: Variant summary: COL11A2 c.3173C>T (p.Pro1058Leu) results in a non-conservative amino acid change in the encoded protein sequence. Algorithms developed to predict the effect of missense changes on protein structure and function all suggest that this variant is likely to be disruptive. The variant allele was found at a frequency of 3.6e-05 in 250432 control chromosomes. The available data on variant occurrences in the general population are insufficient to allow any conclusion about variant significance. c.3173C>T has been observed in a family affected with orofacial cleft without co-segregation information and with co-occurring variants in other genes (example: Diaz Perez_2023). This report does not provide unequivocal conclusions about association of the variant with COL11A2-Related Disorders. To our knowledge, no experimental evidence demonstrating an impact on protein function has been reported. The following publication has been ascertained in the context of this evaluation (PMID: 37350193). ClinVar contains an entry for this variant (Variation ID: 434809). Based on the evidence outlined above, the variant was classified as uncertain significance.

Labcorp Genetics (formerly Invitae), Labcorp
Classification: Benign. Last evaluated: 2025-11-24. Review status: criteria provided, single submitter. Criteria: Invitae Variant Classification Sherloc (09022015). Collection method: clinical testing. Allele origin: germline.

GeneDx
Classification: Uncertain significance. Last evaluated: 2025-09-10. Review status: criteria provided, single submitter. Criteria: GeneDx Variant Classification Process June 2021. Collection method: clinical testing. Allele origin: germline. Affected: yes.
Comment: In silico analysis supports that this missense variant has a deleterious effect on protein structure/function; Reported in association with orofacial clefts in published literature (PMID: 37350193); This variant is associated with the following publications: (PMID: 37350193)

Blueprint Genetics
Classification: Uncertain significance. Last evaluated: 2024-06-11. Review status: criteria provided, single submitter. Criteria: ACMG Guidelines, 2015. Collection method: clinical testing. Allele origin: germline.

ARUP Laboratories, Molecular Genetics and Genomics, ARUP Laboratories
Classification: Uncertain significance. Last evaluated: 2024-01-31. Review status: criteria provided, single submitter. Criteria: ARUP Molecular Germline Variant Investigation Process 2024. Collection method: clinical testing. Allele origin: germline.
Comment: The COL11A2 c.3173C>T; p.Pro1058Leu variant (rs562253142), is reported in siblings affected with orofacial clefts, however it was also detected in their unaffected father (Diaz Perez 2023). This variant is reported in ClinVar (Variation ID: 434809) and is found in the general population with an overall allele frequency of 0.004% (10/281,788 alleles) in the Genome Aggregation Database (v2.1.1). Computational analyses predict that this variant is deleterious (REVEL: 0.731). Due to limited information, the clinical significance of this variant is uncertain at this time. References: Diaz Perez KK et al. Rare variants found in multiplex families with orofacial clefts: Does expanding the phenotype make a difference? Am J Med Genet A. 2023 Oct;191(10):2558-2570. PMID: 37350193.

Revvity Omics, Revvity
Classification: Uncertain significance. Last evaluated: 2021-10-13. Review status: criteria provided, single submitter. Criteria: ACMG Guidelines, 2015. Collection method: clinical testing. Allele origin: germline.

Genetic Services Laboratory, University of Chicago
Classification: Uncertain significance. Last evaluated: 2017-03-16. Review status: criteria provided, single submitter. Criteria: ACMG Guidelines, 2015. Collection method: clinical testing. Allele origin: germline. Affected: no.

Literature cited by the submitters: PubMed 37350193 (cited by Women's Health and Genetics/Laboratory Corporation of America, LabCorp).

NM_080680.3(COL11A2):c.3173C>T (p.Pro1058Leu)

Gene: COL11A2 (collagen type XI alpha 2 chain; minus strand). Cytogenetic location: 6p21.32.
Variant type: single nucleotide variant.
Coding change: c.3173C>T on transcript NM_080680.3 (MANE Select); coding-DNA position 3173, C replaced by T.
Protein change: p.Pro1058Leu; replaces proline 1058 with leucine.
Molecular consequence: missense variant.
Genome position (GRCh38, 1-based): chr6:33,171,552, G>A on the plus strand (C>T on the coding strand, the complement: COL11A2 is on the minus strand). VCF-style: chr6-33171552-G-A. GRCh37 (hg19) VCF-style: chr6-33139329-G-A.
Other names: c.2852C>T, p.Pro951Leu (NM_080679.3); c.2915C>T, p.Pro972Leu (NM_080681.3); short protein forms P1058L, P972L, P951L.
Identifiers: ClinVar variation 434809 (VCV000434809.32), dbSNP rs562253142, ClinGen allele CA3750611.